The following is an entry in ClinVar:

NM_013275.6(ANKRD11):c.5606C>T (p.Pro1869Leu)

Gene: ANKRD11 (ankyrin repeat domain 11; minus strand). Cytogenetic location: 16q24.3.
Variant type: single nucleotide variant.
Coding change: c.5606C>T on transcript NM_013275.6 (MANE Select); coding-DNA position 5606, C replaced by T.
Protein change: p.Pro1869Leu; replaces proline 1869 with leucine.
Molecular consequence: missense variant.
Genome position (GRCh38, 1-based): chr16:89,280,936, G>A on the plus strand (C>T on the coding strand, the complement: ANKRD11 is on the minus strand). VCF-style: chr16-89280936-G-A. GRCh37 (hg19) VCF-style: chr16-89347344-G-A.
Other names: c.5606C>T, p.Pro1869Leu (NM_001256182.2, NM_001256183.2); short protein forms P1869L.
Identifiers: ClinVar variation 2186971 (VCV002186971.4), dbSNP rs1486454956, ClinGen allele CA397153502.
Genomic context (GRCh38, chr16:89,280,936, plus strand): 5'-TTTGCTTGTAAACTTGAGAAGACGCCCTCTGGAGACGGGGTGACAGTGACAACGGCAGCC[G>A]GTGGGCAGTGCAAAGCGTCGACTTTGGGCGACGGGAGGCCATAGTCTGGGGAGTAGTACC-3'
Protein context (NP_037407.4, residues 1859-1879): SPKVDALHCP[Pro1869Leu]AAVVTVTPSP

ClinVar aggregate classification (germline): Uncertain significance (1 of 4 stars; one submission).

Conditions:
KBG syndrome (KBGS). Also called: ANKRD11-Related KBG Syndrome. Identifiers: Orphanet 2332, MedGen C0220687, MONDO:0007846, OMIM 148050.

Allele frequency attached by ClinVar (database versions not stated): TOPMed below 0.00001; gnomAD 0.00001; gnomAD exomes 0.00001.
gnomAD v4.1: 10 of 1,590,190 alleles (0.00063%); highest among the groups gnomAD compares: South Asian, 0.0034%; no homozygotes.

Submission:

Labcorp Genetics (formerly Invitae), Labcorp
Classification: Uncertain significance for KBG syndrome. Last evaluated: 2023-10-03. Review status: criteria provided, single submitter. Criteria: Invitae Variant Classification Sherloc (09022015). Collection method: clinical testing. Allele origin: germline.
Comment: This sequence change replaces proline, which is neutral and non-polar, with leucine, which is neutral and non-polar, at codon 1869 of the ANKRD11 protein (p.Pro1869Leu). The frequency data for this variant in the population databases is considered unreliable, as metrics indicate poor data quality at this position in the gnomAD database. This variant has not been reported in the literature in individuals affected with ANKRD11-related conditions. ClinVar contains an entry for this variant (Variation ID: 2186971). Advanced modeling of protein sequence and biophysical properties (such as structural, functional, and spatial information, amino acid conservation, physicochemical variation, residue mobility, and thermodynamic stability) performed at Invitae indicates that this missense variant is not expected to disrupt ANKRD11 protein function. In summary, the available evidence is currently insufficient to determine the role of this variant in disease. Therefore, it has been classified as a Variant of Uncertain Significance.